The following is an entry in ClinVar:

ClinVar aggregate classification (germline): Pathogenic (1 of 4 stars; one submission).

Conditions:
Hereditary cancer-predisposing syndrome. Also called: Hereditary Cancer Syndrome; Neoplastic Syndromes, Hereditary; Hereditary neoplastic syndrome; Tumor predisposition. Identifiers: Orphanet 140162, MedGen C0027672, MeSH D009386, MONDO:0015356.

Submission:

Ambry Genetics
Classification: Pathogenic for Hereditary cancer-predisposing syndrome. Last evaluated: 2012-01-18. Review status: criteria provided, single submitter. Criteria: Ambry Autosomal Dominant and X-Linked criteria (10/2015). Collection method: clinical testing. Allele origin: germline. Observed: 1 variant allele.
Comment: This alteration is expected to result in loss of function by premature protein truncation or nonsense-mediatedâ€¯mRNAâ€¯decay.â€¯As such, this alteration is interpreted as a disease-causing mutation.

NM_004329.3(BMPR1A):c.964A>T (p.Lys322Ter)

Gene: BMPR1A (bone morphogenetic protein receptor type 1A; plus strand). Cytogenetic location: 10q23.2.
Variant type: single nucleotide variant.
Coding change: c.964A>T on transcript NM_004329.3 (MANE Select); coding-DNA position 964, A replaced by T.
Protein change: p.Lys322Ter; replaces lysine 322 with a stop codon.
Molecular consequence: nonsense.
Genome position (GRCh38, 1-based): chr10:86,919,267, A>T. VCF-style: chr10-86919267-A-T. GRCh37 (hg19) VCF-style: chr10-88679024-A-T.
Other names: short protein forms K322*.
Identifiers: ClinVar variation 429087 (VCV000429087.3), dbSNP rs1131691167, ClinGen allele CA377460285.